The following is an entry in ClinVar:

ClinVar aggregate classification (germline): Uncertain significance (1 of 4 stars; one submission).

Conditions:
Epidermodysplasia verruciformis. Identifiers: Orphanet 302, MedGen C0014522, MONDO:0009176.

Submission:

Labcorp Genetics (formerly Invitae), Labcorp
Classification: Uncertain significance for Epidermodysplasia verruciformis. Last evaluated: 2022-07-06. Review status: criteria provided, single submitter. Criteria: Invitae Variant Classification Sherloc (09022015). Collection method: clinical testing. Allele origin: germline.
Comment: Algorithms developed to predict the effect of missense changes on protein structure and function are either unavailable or do not agree on the potential impact of this missense change (SIFT: "Not Available"; PolyPhen-2: "Probably Damaging"; Align-GVGD: "Not Available"). This sequence change replaces threonine, which is neutral and polar, with asparagine, which is neutral and polar, at codon 254 of the TMC6 protein (p.Thr254Asn). This variant is not present in population databases (gnomAD no frequency). This variant has not been reported in the literature in individuals affected with TMC6-related conditions. In summary, the available evidence is currently insufficient to determine the role of this variant in disease. Therefore, it has been classified as a Variant of Uncertain Significance.

NM_001127198.5(TMC6):c.761C>A (p.Thr254Asn)

Gene: TMC6 (transmembrane channel like 6; minus strand). Cytogenetic location: 17q25.3.
Variant type: single nucleotide variant.
Coding change: c.761C>A on transcript NM_001127198.5 (MANE Select); coding-DNA position 761, C replaced by A.
Protein change: p.Thr254Asn; replaces threonine 254 with asparagine.
Molecular consequence: missense variant. On other transcripts: non-coding transcript variant (4).
Genome position (GRCh38, 1-based): chr17:78,124,654, G>T on the plus strand (C>A on the coding strand, the complement: TMC6 is on the minus strand). VCF-style: chr17-78124654-G-T. GRCh37 (hg19) VCF-style: chr17-76120735-G-T.
Other names: c.761C>A, p.Thr254Asn (NM_001321185.1, NM_001374593.1, NM_001374594.1 and 4 more transcripts); short protein forms T254N.
Identifiers: ClinVar variation 2014380 (VCV002014380.3), dbSNP rs2510642864, ClinGen allele CA401232710.